The following is an entry in ClinVar:

NM_004006.3(DMD):c.1108A>G (p.Asn370Asp)

Gene: DMD (dystrophin; minus strand). Cytogenetic location: Xp21.1.
Variant type: single nucleotide variant.
Coding change: c.1108A>G on transcript NM_004006.3 (MANE Select); coding-DNA position 1108, A replaced by G.
Protein change: p.Asn370Asp; replaces asparagine 370 with aspartic acid.
Molecular consequence: missense variant.
Genome position (GRCh38, 1-based): chrX:32,645,005, T>C on the plus strand (A>G on the coding strand, the complement: DMD is on the minus strand). VCF-style: chrX-32645005-T-C. GRCh37 (hg19) VCF-style: chrX-32663122-T-C.
Other names: c.1084A>G, p.Asn362Asp (NM_000109.4); c.1096A>G, p.Asn366Asp (NM_004009.3); c.739A>G, p.Asn247Asp (NM_004010.3); short protein forms N247D, N366D, N362D, N370D.
Identifiers: ClinVar variation 851049 (VCV000851049.7), dbSNP rs1335517714, ClinGen allele CA412661823.

ClinVar aggregate classification (germline): Uncertain significance (1 of 4 stars; one submission).

Conditions:
Duchenne muscular dystrophy (DMD). Also called: Duchenne Muscular Dystrophy (DMD); MUSCULAR DYSTROPHY, PSEUDOHYPERTROPHIC PROGRESSIVE, DUCHENNE TYPE. Identifiers: Orphanet 98896, MedGen C0013264, MONDO:0010679, OMIM 310200.

Submission:

Labcorp Genetics (formerly Invitae), Labcorp
Classification: Uncertain significance for Duchenne muscular dystrophy. Last evaluated: 2022-09-13. Review status: criteria provided, single submitter. Criteria: Invitae Variant Classification Sherloc (09022015). Collection method: clinical testing. Allele origin: germline.
Comment: In summary, the available evidence is currently insufficient to determine the role of this variant in disease. Therefore, it has been classified as a Variant of Uncertain Significance. Advanced modeling of protein sequence and biophysical properties (such as structural, functional, and spatial information, amino acid conservation, physicochemical variation, residue mobility, and thermodynamic stability) performed at Invitae indicates that this missense variant is not expected to disrupt DMD protein function. ClinVar contains an entry for this variant (Variation ID: 851049). This variant has not been reported in the literature in individuals affected with DMD-related conditions. This variant is not present in population databases (gnomAD no frequency). This sequence change replaces asparagine, which is neutral and polar, with aspartic acid, which is acidic and polar, at codon 370 of the DMD protein (p.Asn370Asp).